The following is an entry in ClinVar:

NM_001267052.2(UNC45B):c.1915G>A (p.Asp639Asn)

Gene: UNC45B (unc-45 myosin chaperone B; plus strand). Cytogenetic location: 17q12.
Variant type: single nucleotide variant.
Coding change: c.1915G>A on transcript NM_001267052.2 (MANE Select); coding-DNA position 1915, G replaced by A.
Protein change: p.Asp639Asn; replaces aspartic acid 639 with asparagine.
Molecular consequence: missense variant.
Genome position (GRCh38, 1-based): chr17:35,174,326, G>A. VCF-style: chr17-35174326-G-A. GRCh37 (hg19) VCF-style: chr17-33501345-G-A.
Other names: c.1915G>A, p.Asp639Asn (NM_001033576.2); c.1678G>A, p.Asp560Asn (NM_001308281.1); c.1921G>A, p.Asp641Asn (NM_173167.3); c.1921G>A (NM_173167.2); short protein forms D560N, D639N, D641N.
Identifiers: ClinVar variation 3352876 (VCV003352876.2).

ClinVar aggregate classification (germline): Uncertain significance. Review status: criteria provided, single submitter (1 of 4 stars). 2 submissions from 2 submitters: Uncertain significance (1). 1 of the submissions does not count toward it. Last evaluated 2025-08-07.

Conditions:
Inborn genetic diseases. Identifiers: MedGen C0950123, MeSH D030342.
UNC45B-related disorder. Also called: UNC45B-related condition.

gnomAD v4.1: 20 of 1,614,122 alleles (0.0012%); highest among the groups gnomAD compares: Non-Finnish European, 0.0017%; no homozygotes.

Submissions (2):

Ambry Genetics
Classification: Uncertain significance for Inborn genetic diseases. Last evaluated: 2025-08-07. Review status: criteria provided, single submitter. Criteria: Ambry Variant Classification Scheme 2023. Collection method: clinical testing. Allele origin: germline.

PreventionGenetics, part of Exact Sciences
Classification: Uncertain significance for UNC45B-related condition. Last evaluated: 2024-06-28. Review status: no assertion criteria provided. Collection method: clinical testing. Allele origin: germline. Not counted in ClinVar's aggregate classification.
Comment: The UNC45B c.1921G>A variant is predicted to result in the amino acid substitution p.Asp641Asn. To our knowledge, this variant has not been reported in the literature. This variant is reported in 0.00088% of alleles in individuals of European (Non-Finnish) descent in gnomAD. At this time, the clinical significance of this variant is uncertain due to the absence of conclusive functional and genetic evidence.